The following is an entry in ClinVar:

NM_001166108.2(PALLD):c.655G>C (p.Ala219Pro)

Gene: PALLD (palladin, cytoskeletal associated protein; plus strand). Cytogenetic location: 4q32.3.
Variant type: single nucleotide variant.
Coding change: c.655G>C on transcript NM_001166108.2 (MANE Select); coding-DNA position 655, G replaced by C.
Protein change: p.Ala219Pro; replaces alanine 219 with proline.
Molecular consequence: missense variant.
Genome position (GRCh38, 1-based): chr4:168,512,159, G>C. VCF-style: chr4-168512159-G-C. GRCh37 (hg19) VCF-style: chr4-169433310-G-C.
Other names: c.655G>C, p.Ala219Pro (NM_016081.4); short protein forms A219P.
Identifiers: ClinVar variation 3304029 (VCV003304029.1).

ClinVar aggregate classification (germline): Uncertain significance (1 of 4 stars; one submission).

gnomAD v4.1: 1 of 1,614,054 alleles (0.000062%); highest among the groups gnomAD compares: African/African-American, 0.0013%; no homozygotes.

Submission:

Ambry Genetics
Classification: Uncertain significance. Last evaluated: 2024-03-24. Review status: criteria provided, single submitter. Criteria: Ambry Variant Classification Scheme 2023. Collection method: clinical testing. Allele origin: germline.
Comment: The p.A219P variant (also known as c.655G>C), located in coding exon 1 of the PALLD gene, results from a G to C substitution at nucleotide position 655. The alanine at codon 219 is replaced by proline, an amino acid with highly similar properties. This amino acid position is conserved. In addition, this alteration is predicted to be tolerated by in silico analysis. Based on the available evidence, the clinical significance of this alteration remains unclear.